The following is an entry in ClinVar:

ClinVar aggregate classification (germline): Uncertain significance (1 of 4 stars; one submission).

Conditions:
Common variable immunodeficiency (CVID). Also called: Common variable hypogamma-globulinemia; Common variable agammaglobulinemia. Identifiers: Orphanet 1572, MedGen C0009447, MONDO:0015517.

gnomAD v4.1: 31 of 1,394,264 alleles (0.0022%); highest among the groups gnomAD compares: Admixed American, 0.091%; 1 homozygote.

Submission:

Labcorp Genetics (formerly Invitae), Labcorp
Classification: Uncertain significance for Common variable immunodeficiency. Last evaluated: 2025-05-04. Review status: criteria provided, single submitter. Criteria: Invitae Variant Classification Sherloc (09022015). Collection method: clinical testing. Allele origin: germline.
Comment: This sequence change replaces arginine, which is basic and polar, with glutamine, which is neutral and polar, at codon 47 of the TNFSF12 protein (p.Arg47Gln). The frequency data for this variant in the population databases is considered unreliable, as metrics indicate poor data quality at this position in the gnomAD database. This variant has not been reported in the literature in individuals affected with TNFSF12-related conditions. An algorithm developed to predict the effect of missense changes on protein structure and function outputs the following: PolyPhen-2: "Not Available". The glutamine amino acid residue is found in multiple mammalian species, which suggests that this missense change does not adversely affect protein function. In summary, the available evidence is currently insufficient to determine the role of this variant in disease. Therefore, it has been classified as a Variant of Uncertain Significance.

NM_003809.3(TNFSF12):c.140G>A (p.Arg47Gln)

Genes: TNFSF12 (TNF superfamily member 12; plus strand), TNFSF12-TNFSF13 (TNFSF12-TNFSF13 readthrough; plus strand). Cytogenetic location: 17p13.1.
Variant type: single nucleotide variant.
Coding change: c.140G>A on transcript NM_003809.3 (MANE Select); coding-DNA position 140, G replaced by A.
Protein change: p.Arg47Gln; replaces arginine 47 with glutamine.
Molecular consequence: missense variant. On other transcripts: non-coding transcript variant (1).
Genome position (GRCh38, 1-based): chr17:7,549,293, G>A. VCF-style: chr17-7549293-G-A. GRCh37 (hg19) VCF-style: chr17-7452610-G-A.
Other names: c.140G>A, p.Arg47Gln (NM_172089.4); short protein forms R47Q.
Identifiers: ClinVar variation 4769569 (VCV004769569.1).